The following is an entry in ClinVar:

ClinVar aggregate classification (germline): Pathogenic. Review status: criteria provided, multiple submitters, no conflicts (2 of 4 stars). 2 submissions from 2 submitters: Pathogenic (2). Last evaluated 2025-07-24.

Conditions:
Osteogenesis imperfecta type I (OI1). Also called: OI, TYPE I; OSTEOGENESIS IMPERFECTA TARDA; OSTEOGENESIS IMPERFECTA WITH BLUE SCLERAE; Osteogenesis imperfecta type 1; Lobstein disease; Classic Non-deforming Osteogenesis Imperfecta with Blue Sclerae. Identifiers: Orphanet 216796, Orphanet 666, MedGen C0023931, MONDO:0008146, OMIM 166200. Disease mechanism: loss of function.
Osteogenesis imperfecta type III (OI3). Also called: Osteogenesis imperfecta type 3; OI type 3; Osteogenesis imperfecta, progressively deforming with normal sclerae; OI type III; Progressively Deforming Osteogenesis Imperfecta. Identifiers: Orphanet 216812, Orphanet 666, MedGen C0268362, MONDO:0009804, OMIM 259420.

Submissions (2):

Molecular Diagnostics Laboratory, M Health Fairview: University of Minnesota
Classification: Pathogenic for Osteogenesis imperfecta type III. Last evaluated: 2025-07-24. Review status: criteria provided, single submitter. Criteria: ACMG Guidelines, 2015. Collection method: clinical testing. Allele origin: de novo. Affected: yes.

Labcorp Genetics (formerly Invitae), Labcorp
Classification: Pathogenic for Osteogenesis imperfecta type I. Last evaluated: 2019-06-20. Review status: criteria provided, single submitter. Criteria: Invitae Variant Classification Sherloc (09022015). Collection method: clinical testing. Allele origin: germline.
Comment: This sequence change affects a donor splice site in the last intron (intron 50) of the COL1A1 gene. While this is not anticipated to result in nonsense mediated decay, it likely alters RNA splicing and results in a disrupted protein product. This variant is not present in population databases (ExAC no frequency). Disruption of this splice site has been observed in individuals affected with osteogenesis imperfecta type 3 or prenatal onset of multiple fractures (PMID: 25963598, Invitae), of whom it has been observed de novo in at least one individual (Invitae). Nucleotide substitutions within the consensus splice site are a relatively common cause of aberrant splicing (PMID: 17576681, 9536098). Experimental studies have shown that this variant disrupts mRNA splicing (PMID:25963598). For these reasons, this variant has been classified as Pathogenic.

Literature cited by the submitters: PubMed 25963598 (cited by Labcorp Genetics (formerly Invitae), Labcorp).

NM_000088.4(COL1A1):c.4248+2T>C

Gene: COL1A1 (collagen type I alpha 1 chain; minus strand). Cytogenetic location: 17q21.33.
Variant type: single nucleotide variant.
Coding change: c.4248+2T>C on transcript NM_000088.4 (MANE Select); the canonical splice donor site of the intron after coding-DNA position 4248, T replaced by C.
Molecular consequence: splice donor variant.
Genome position (GRCh38, 1-based): chr17:50,185,776, A>G on the plus strand (T>C on the coding strand, the complement: COL1A1 is on the minus strand). VCF-style: chr17-50185776-A-G. GRCh37 (hg19) VCF-style: chr17-48263137-A-G.
Identifiers: ClinVar variation 852256 (VCV000852256.2), dbSNP rs112274185, ClinGen allele CA400191113.